The following is an entry in ClinVar:

NM_001931.5(DLAT):c.583C>T (p.Pro195Ser)

Gene: DLAT (dihydrolipoamide S-acetyltransferase; plus strand). Cytogenetic location: 11q23.1.
Variant type: single nucleotide variant.
Coding change: c.583C>T on transcript NM_001931.5 (MANE Select); coding-DNA position 583, C replaced by T.
Protein change: p.Pro195Ser; replaces proline 195 with serine.
Molecular consequence: missense variant. On other transcripts: non-coding transcript variant (1), intron variant (2).
Genome position (GRCh38, 1-based): chr11:112,028,868, C>T. VCF-style: chr11-112028868-C-T. GRCh37 (hg19) VCF-style: chr11-111899592-C-T.
Other names: p.P195S:CCA>TCA; c.583C>T, p.Pro195Ser (NM_001372031.1, NM_001372032.1, NM_001372033.1 and 3 more transcripts); c.550C>T, p.Pro184Ser (NM_001372034.1); c.457C>T, p.Pro153Ser (NM_001372036.1); c.415C>T, p.Pro139Ser (NM_001372037.1); c.121C>T, p.Pro41Ser (NM_001372042.1); c.381+2569C>T (NM_001372038.1); c.364+2586C>T (NM_001372040.1); short protein forms P195S, P184S, P139S, P153S, P41S.
Identifiers: ClinVar variation 214293 (VCV000214293.39), dbSNP rs149440666, ClinGen allele CA325087.

ClinVar aggregate classification (germline): Conflicting classifications of pathogenicity. Review status: criteria provided, conflicting classifications (1 of 4 stars). 3 submissions from 3 submitters: Uncertain significance (2); Likely benign (1). Last evaluated 2024-11-05.

Conditions:
Pyruvate dehydrogenase E2 deficiency (PDHDD). Also called: LACTIC ACIDEMIA DUE TO DEFECT OF E2 LIPOYL TRANSACETYLASE OF THE PYRUVATE DEHYDROGENASE COMPLEX; Dihydrolipoamide Acetyltransferase (E2) Deficiency. Identifiers: Orphanet 765, Orphanet 79244, MedGen C1855565, MONDO:0009502, OMIM 245348.

Allele frequency attached by ClinVar (database versions not stated): gnomAD exomes 0.00003 and 0.00005; ExAC 0.00004; gnomAD 0.00006; TOPMed 0.00008; ESP Exome Variant Server 0.00015.
gnomAD v4.1: 57 of 1,614,098 alleles (0.0035%); highest among the groups gnomAD compares: Admixed American, 0.01%; no homozygotes.

Submissions (3):

Labcorp Genetics (formerly Invitae), Labcorp
Classification: Uncertain significance for Pyruvate dehydrogenase E2 deficiency. Last evaluated: 2024-11-05. Review status: criteria provided, single submitter. Criteria: Invitae Variant Classification Sherloc (09022015). Collection method: clinical testing. Allele origin: germline.
Comment: This sequence change replaces proline, which is neutral and non-polar, with serine, which is neutral and polar, at codon 195 of the DLAT protein (p.Pro195Ser). This variant is present in population databases (rs149440666, gnomAD 0.009%). This variant has not been reported in the literature in individuals affected with DLAT-related conditions. ClinVar contains an entry for this variant (Variation ID: 214293). Invitae Evidence Modeling of protein sequence and biophysical properties (such as structural, functional, and spatial information, amino acid conservation, physicochemical variation, residue mobility, and thermodynamic stability) indicates that this missense variant is not expected to disrupt DLAT protein function with a negative predictive value of 80%. In summary, the available evidence is currently insufficient to determine the role of this variant in disease. Therefore, it has been classified as a Variant of Uncertain Significance.

CeGaT Center for Human Genetics Tuebingen
Classification: Uncertain significance. Last evaluated: 2021-03-01. Review status: criteria provided, single submitter. Criteria: CeGaT Center For Human Genetics Tuebingen Variant Classification Criteria Version 2. Collection method: clinical testing. Allele origin: germline. Affected: yes. Observed: 1 variant allele.

GeneDx
Classification: Likely benign. Last evaluated: 2013-06-07. Review status: criteria provided, single submitter. Criteria: GeneDx Variant Classification (06012015). Collection method: clinical testing. Allele origin: germline. Affected: yes.
Comment: This variant is considered likely benign or benign based on one or more of the following criteria: it is a conservative change, it occurs at a poorly conserved position in the protein, it is predicted to be benign by multiple in silico algorithms, and/or has population frequency not consistent with disease.